The following is an entry in ClinVar:

NM_002303.6(LEPR):c.1729A>G (p.Ser577Gly)

Gene: LEPR (leptin receptor; plus strand). Cytogenetic location: 1p31.3.
Variant type: single nucleotide variant.
Coding change: c.1729A>G on transcript NM_002303.6 (MANE Select); coding-DNA position 1729, A replaced by G.
Protein change: p.Ser577Gly; replaces serine 577 with glycine.
Molecular consequence: missense variant.
Genome position (GRCh38, 1-based): chr1:65,608,878, A>G. VCF-style: chr1-65608878-A-G. GRCh37 (hg19) VCF-style: chr1-66074561-A-G.
Other names: c.1729A>G, p.Ser577Gly (NM_001003679.3, NM_001003680.3, NM_001198687.2 and 2 more transcripts); short protein forms S577G.
Identifiers: ClinVar variation 3346083 (VCV003346083.1).
Genomic context (GRCh38, chr1:65,608,878, plus strand): 5'-TCTTGGGAAAAGCCAGTCTTTCCAGAGAATAACCTTCAATTCCAGATTCGCTATGGTTTA[A>G]GTGGAAAAGAAGTACAATGGAAGGTACCTTTTACTTAGAACTTCAGCTTTCCTCATTAAA-3'
Protein context (NP_002294.2, residues 567-587): NLQFQIRYGL[Ser577Gly]GKEVQWKMYE

ClinVar aggregate classification (germline): Uncertain significance (0 of 4 stars; one submission).

Conditions:
LEPR-related disorder. Also called: LEPR-related condition; LEPR-related disorders.

gnomAD v4.1: 1 of 1,613,644 alleles (0.000062%); highest among the groups gnomAD compares: Non-Finnish European, 0.000085%; no homozygotes.

Submission:

PreventionGenetics, part of Exact Sciences
Classification: Uncertain significance for LEPR-related condition. Last evaluated: 2024-05-10. Review status: no assertion criteria provided. Collection method: clinical testing. Allele origin: germline.
Comment: The LEPR c.1729A>G variant is predicted to result in the amino acid substitution p.Ser577Gly. To our knowledge, this variant has not been reported in the literature or in a large population database, indicating this variant is rare. At this time, the clinical significance of this variant is uncertain due to the absence of conclusive functional and genetic evidence.